The following is an entry in ClinVar:

NM_007294.4(BRCA1):c.898G>T (p.Glu300Ter)

Gene: BRCA1 (BRCA1 DNA repair associated; minus strand). Cytogenetic location: 17q21.31.
Variant type: single nucleotide variant.
Coding change: c.898G>T on transcript NM_007294.4 (MANE Select); coding-DNA position 898, G replaced by T.
Protein change: p.Glu300Ter; replaces glutamic acid 300 with a stop codon.
Molecular consequence: nonsense. On other transcripts: intron variant (137).
Genome position (GRCh38, 1-based): chr17:43,094,633, C>A on the plus strand (G>T on the coding strand, the complement: BRCA1 is on the minus strand). VCF-style: chr17-43094633-C-A. GRCh37 (hg19) VCF-style: chr17-41246650-C-A.
Other names: 1017G>T; Glu300X; c.757G>T, p.Glu253Ter (NM_001407751.1, NM_001407752.1, NM_001407850.1 and 29 more transcripts); c.754G>T, p.Glu252Ter (NM_001407849.1, NM_001407943.1, NM_001407964.1 and 20 more transcripts); c.685G>T, p.Glu229Ter (NM_001407853.1, NM_001407894.1, NM_001407895.1 and 9 more transcripts); c.898G>T, p.Glu300Ter (NM_001407854.1, NM_001407858.1, NM_001407859.1 and 30 more transcripts); c.895G>T, p.Glu299Ter (NM_001407860.1, NM_001407587.1, NM_001407590.1 and 22 more transcripts); c.688G>T, p.Glu230Ter (NM_001407886.1, NM_001407887.1, NM_001407889.1 and 13 more transcripts); c.775G>T, p.Glu259Ter (NM_001407919.1, NM_001407937.1, NM_001407938.1 and 19 more transcripts); and 41 more; short protein forms E300*, E253*, E132*, E172*, E173*, E188*, E232*, E273*.
Identifiers: ClinVar variation 266590 (VCV000266590.7), dbSNP rs886040330, ClinGen allele CA10589982.

ClinVar aggregate classification (germline): Pathogenic. Review status: reviewed by expert panel (3 of 4 stars). 3 submissions from 3 submitters: Pathogenic (1). 2 of the submissions do not count toward it. Last evaluated 2016-10-18.

Conditions:
Hereditary cancer-predisposing syndrome. Also called: Hereditary Cancer Syndrome; Neoplastic Syndromes, Hereditary; Hereditary neoplastic syndrome; Tumor predisposition. Identifiers: Orphanet 140162, MedGen C0027672, MeSH D009386, MONDO:0015356.
Breast-ovarian cancer, familial, susceptibility to, 1 (BROVCA1). Also called: BRCA1 Hereditary Breast and Ovarian Cancer; OVARIAN CANCER, SUSCEPTIBILITY TO. Identifiers: Orphanet 145, MedGen C2676676, MONDO:0011450, OMIM 604370. Disease mechanism: loss of function.

Submissions (3):

Evidence-based Network for the Interpretation of Germline Mutant Alleles (ENIGMA)
Classification: Pathogenic for Breast-ovarian cancer, familial, susceptibility to, 1. Last evaluated: 2016-10-18. Review status: reviewed by expert panel. Criteria: ENIGMA BRCA1/2 Classification Criteria (2015). Collection method: curation. Allele origin: germline.
Comment: Variant allele predicted to encode a truncated non-functional protein.

Ambry Genetics
Classification: Pathogenic for Hereditary cancer-predisposing syndrome. Last evaluated: 2025-04-22. Review status: criteria provided, single submitter. Criteria: Ambry Variant Classification Scheme 2023. Collection method: clinical testing. Allele origin: germline. Not counted in ClinVar's aggregate classification.
Comment: The p.E300* pathogenic mutation (also known as c.898G>T), located in coding exon 9 of the BRCA1 gene, results from a G to T substitution at nucleotide position 898. This changes the amino acid from a glutamic acid to a stop codon within coding exon 9. This variant is considered to be rare based on population cohorts in the Genome Aggregation Database (gnomAD). This alteration is expected to result in loss of function by premature protein truncation or nonsense-mediated mRNA decay. As such, this alteration is interpreted as a disease-causing mutation.

Consortium of Investigators of Modifiers of BRCA1/2 (CIMBA), c/o University of Cambridge
Classification: Pathogenic for Breast-ovarian cancer, familial, susceptibility to, 1. Last evaluated: 2015-10-02. Review status: criteria provided, single submitter. Criteria: CIMBA Mutation Classification guidelines May 2016. Collection method: clinical testing. Allele origin: germline. Not counted in ClinVar's aggregate classification.